The following is an entry in ClinVar:

ClinVar aggregate classification (germline): Pathogenic (1 of 4 stars; one submission).

Submission:

Labcorp Genetics (formerly Invitae), Labcorp
Classification: Pathogenic. Last evaluated: 2025-03-31. Review status: criteria provided, single submitter. Criteria: Invitae Variant Classification Sherloc (09022015). Collection method: clinical testing. Allele origin: germline.
Comment: This sequence change creates a premature translational stop signal (p.Val637Glyfs*4) in the CAST gene. It is expected to result in an absent or disrupted protein product. Loss-of-function variants in CAST are known to be pathogenic (PMID: 25683118, 28851602). This variant is not present in population databases (gnomAD no frequency). This variant has not been reported in the literature in individuals affected with CAST-related conditions. For these reasons, this variant has been classified as Pathogenic.

Literature cited by the submitters: PubMed 25683118; PubMed 28851602.

NM_001750.7(CAST):c.2033_2037del (p.Val678fs)

Genes: ERAP1 (endoplasmic reticulum aminopeptidase 1; minus strand), CAST (calpastatin; plus strand). Cytogenetic location: 5q15.
Variant type: Microsatellite.
Coding change: c.2033_2037del on transcript NM_001750.7 (MANE Select); coding-DNA positions 2033 to 2037, 5 bases deleted (TAAAG; older notation c.2033_2037delTAAAG).
Protein change: p.Val678fs; shifts the reading frame from valine 678.
Molecular consequence: frameshift variant. On other transcripts: non-coding transcript variant (1), intron variant (2).
Genome position (GRCh38, 1-based): chr5:96,765,321-96,765,325, TAAAG deleted; deleting any 5 consecutive bases within chr5:96,765,316-96,765,325 gives the same sequence; the c. name uses the placement nearest the transcript's 3' end. VCF-style (leftmost placement, unchanged base first): chr5-96765315-ATAAAG-A. GRCh37 (hg19) VCF-style: chr5-96101019-ATAAAG-A.
Other names: c.1718_1722del, p.Val573fs (NM_001423254.1, NM_173060.5, NM_001423253.1); c.1679_1683del, p.Val560fs (NM_001423255.1, NM_001423256.1, NM_001423257.1 and 2 more transcripts); c.1676_1680del, p.Val559fs (NM_001423259.1); c.1622_1626del, p.Val541fs (NM_001423260.1, NM_001042446.3); c.1910_1914del, p.Val637fs (NM_001042440.5); c.1976_1980del, p.Val659fs (NM_001042441.3); c.1967_1971del, p.Val656fs (NM_001042442.3); c.1784_1788del, p.Val595fs (NM_001042443.3, NM_001423250.1); and 14 more; short protein forms V572fs, V573fs, V582fs, V595fs, V636fs, V646fs, V540fs, V553fs.
Identifiers: ClinVar variation 2995747 (VCV002995747.3), dbSNP rs2532855985, ClinGen allele CA2674678908.